The following is an entry in ClinVar:

NM_000284.4(PDHA1):c.*432C>T

Genes: MAP3K15 (mitogen-activated protein kinase kinase kinase 15; minus strand), PDHA1 (pyruvate dehydrogenase E1 subunit alpha 1; plus strand). Cytogenetic location: Xp22.12.
Variant type: single nucleotide variant.
Coding change: c.*432C>T on transcript NM_000284.4 (MANE Select); 432 bases downstream of the stop codon, C replaced by T.
Molecular consequence: 3 prime UTR variant.
Genome position (GRCh38, 1-based): chrX:19,360,085, C>T. VCF-style: chrX-19360085-C-T. GRCh37 (hg19) VCF-style: chrX-19378203-C-T.
Other names: c.*664G>A (NM_001001671.4); c.*432C>T (NM_001173454.2, NM_001173455.2, NM_001173456.2).
Identifiers: ClinVar variation 913342 (VCV000913342.29), dbSNP rs754719295, ClinGen allele CA327031924.

ClinVar aggregate classification (germline): Conflicting classifications of pathogenicity. Review status: criteria provided, conflicting classifications (1 of 4 stars). 3 submissions from 3 submitters: Uncertain significance (2); Likely benign (1). Last evaluated 2022-12-01.

Conditions:
Pyruvate dehydrogenase E1-alpha deficiency (PDHAD). Also called: ATAXIA, INTERMITTENT, WITH PYRUVATE DEHYDROGENASE DEFICIENCY; ATAXIA WITH LACTIC ACIDOSIS I; ATAXIA, INTERMITTENT, WITH ABNORMAL PYRUVATE METABOLISM; Ataxia, intermittent, with pyruvate dehydrogenase, or decarboxylase, deficiency. Identifiers: Orphanet 79243, MedGen C1839413, MONDO:0010717, OMIM 312170.

Allele frequency attached by ClinVar (database versions not stated): 1000 Genomes Project 0.00026; 1000 Genomes Project 30x 0.00042; TOPMed 0.00059; gnomAD exomes 0.00064; gnomAD 0.00065 and 0.00068.
gnomAD v4.1: 113 of 169,949 alleles (0.066%); highest among the groups gnomAD compares: Middle Eastern, 0.97%; no homozygotes.

Submissions (3):

CeGaT Center for Human Genetics Tuebingen
Classification: Likely benign. Last evaluated: 2022-12-01. Review status: criteria provided, single submitter. Criteria: CeGaT Center For Human Genetics Tuebingen Variant Classification Criteria Version 2. Collection method: clinical testing. Allele origin: germline. Affected: yes. Observed: 1 variant allele.
Comment: MAP3K15: BS2; PDHA1: BS2

Illumina Laboratory Services, Illumina
Classification: Uncertain significance for Pyruvate dehydrogenase E1-alpha deficiency. Last evaluated: 2018-01-12. Review status: criteria provided, single submitter. Criteria: ICSL Variant Classification Criteria 13 December 2019. Collection method: clinical testing. Allele origin: germline.

Breakthrough Genomics
Classification: Uncertain significance. Review status: criteria provided, single submitter. Criteria: ACMG Guidelines, 2015. Collection method: not provided. Allele origin: germline. Inheritance: X-linked dominant inheritance. Affected: yes.